The following is an entry in ClinVar:

ClinVar aggregate classification (germline): Benign/Likely benign. Review status: criteria provided, multiple submitters, no conflicts (2 of 4 stars). 4 submissions from 4 submitters: Benign (1); Likely benign (3). Last evaluated 2026-05-06.

Conditions:
Endometrial carcinoma. Also called: Endometrial carcinoma, somatic. Identifiers: MedGen C0476089, MONDO:0002447, OMIM 608089, HP:0012114.
Colorectal cancer, hereditary nonpolyposis, type 7. Identifiers: Orphanet 144, MedGen C1858380, MONDO:0013725, OMIM 614385.

Allele frequency attached by ClinVar (database versions not stated): gnomAD 0.00004.

Submissions (4):

Myriad Genetics, Inc.
Classification: Benign for Colorectal cancer, hereditary nonpolyposis, type 7. Last evaluated: 2026-05-06. Review status: criteria provided, single submitter. Criteria: Myriad Autosomal Dominant, Autosomal Recessive and X-Linked Classification Criteria (2023). Collection method: clinical testing. Allele origin: unknown.
Comment: This variant is considered benign. This variant is a silent/synonymous amino acid change and it is not expected to impact splicing.

Labcorp Genetics (formerly Invitae), Labcorp
Classification: Likely benign for Colorectal cancer, hereditary nonpolyposis, type 7. Last evaluated: 2024-06-03. Review status: criteria provided, single submitter. Criteria: Invitae Variant Classification Sherloc (09022015). Collection method: clinical testing. Allele origin: germline.

Department of Pathology and Laboratory Medicine, Sinai Health System
Classification: Likely benign for Endometrial carcinoma. Last evaluated: 2022-05-31. Review status: criteria provided, single submitter. Criteria: ACMG Guidelines, 2015. Collection method: clinical testing. Allele origin: germline. Affected: yes.

Ambry Genetics
Classification: Likely benign. Last evaluated: 2020-12-16. Review status: criteria provided, single submitter. Criteria: Ambry Variant Classification Scheme 2023. Collection method: clinical testing. Allele origin: germline.

NM_001040108.2(MLH3):c.3942T>C (p.Asn1314=)

Gene: MLH3 (mutL homolog 3; minus strand). Cytogenetic location: 14q24.3.
Variant type: single nucleotide variant.
Coding change: c.3942T>C on transcript NM_001040108.2 (MANE Select); coding-DNA position 3942, T replaced by C.
Protein change: p.Asn1314=; no amino-acid change (asparagine 1314 retained).
Molecular consequence: synonymous variant.
Genome position (GRCh38, 1-based): chr14:75,030,588, A>G on the plus strand (T>C on the coding strand, the complement: MLH3 is on the minus strand). VCF-style: chr14-75030588-A-G. GRCh37 (hg19) VCF-style: chr14-75497291-A-G.
Other names: c.3870T>C, p.Asn1290= (NM_014381.3).
Identifiers: ClinVar variation 1736365 (VCV001736365.6), dbSNP rs1237433415, ClinGen allele CA487175686.